The following is an entry in ClinVar:

NM_004525.3(LRP2):c.3464A>T (p.Asn1155Ile)

Gene: LRP2 (LDL receptor related protein 2; minus strand). Cytogenetic location: 2q31.1.
Variant type: single nucleotide variant.
Coding change: c.3464A>T on transcript NM_004525.3 (MANE Select); coding-DNA position 3464, A replaced by T.
Protein change: p.Asn1155Ile; replaces asparagine 1155 with isoleucine.
Molecular consequence: missense variant.
Genome position (GRCh38, 1-based): chr2:169,243,489, T>A on the plus strand (A>T on the coding strand, the complement: LRP2 is on the minus strand). VCF-style: chr2-169243489-T-A. GRCh37 (hg19) VCF-style: chr2-170099999-T-A.
Other names: c.3464A>T (NM_004525.2); short protein forms N1155I.
Identifiers: ClinVar variation 1523013 (VCV001523013.6), dbSNP rs1398890913, ClinGen allele CA349150429.

ClinVar aggregate classification (germline): Uncertain significance. Review status: criteria provided, single submitter (1 of 4 stars). 2 submissions from 2 submitters: Uncertain significance (1). 1 of the submissions does not count toward it. Last evaluated 2022-02-05.

Conditions:
LRP2-related disorder. Also called: LRP2-related condition.

Allele frequency attached by ClinVar (database versions not stated): gnomAD 0.00001; TOPMed below 0.00001.
gnomAD v4.1: 17 of 1,614,050 alleles (0.0011%); highest among the groups gnomAD compares: Non-Finnish European, 0.0014%; no homozygotes.

Submissions (2):

Labcorp Genetics (formerly Invitae), Labcorp
Classification: Uncertain significance. Last evaluated: 2022-02-05. Review status: criteria provided, single submitter. Criteria: Invitae Variant Classification Sherloc (09022015). Collection method: clinical testing. Allele origin: germline.
Comment: This sequence change replaces asparagine, which is neutral and polar, with isoleucine, which is neutral and non-polar, at codon 1155 of the LRP2 protein (p.Asn1155Ile). This variant is present in population databases (no rsID available, gnomAD 0.007%). This variant has not been reported in the literature in individuals affected with LRP2-related conditions. Advanced modeling of protein sequence and biophysical properties (such as structural, functional, and spatial information, amino acid conservation, physicochemical variation, residue mobility, and thermodynamic stability) performed at Invitae indicates that this missense variant is not expected to disrupt LRP2 protein function. In summary, the available evidence is currently insufficient to determine the role of this variant in disease. Therefore, it has been classified as a Variant of Uncertain Significance.

PreventionGenetics, part of Exact Sciences
Classification: Uncertain significance for LRP2-related condition. Last evaluated: 2024-05-13. Review status: no assertion criteria provided. Collection method: clinical testing. Allele origin: germline. Not counted in ClinVar's aggregate classification.
Comment: The LRP2 c.3464A>T variant is predicted to result in the amino acid substitution p.Asn1155Ile. To our knowledge, this variant has not been reported in the literature. This variant is reported in 0.0065% of alleles in individuals of European (Non-Finnish) descent in gnomAD. At this time, the clinical significance of this variant is uncertain due to the absence of conclusive functional and genetic evidence.